The following is an entry in ClinVar:

ClinVar aggregate classification (germline): Benign/Likely benign. Review status: criteria provided, multiple submitters, no conflicts (2 of 4 stars). 5 submissions from 5 submitters: Benign (1); Likely benign (4). Last evaluated 2026-02-04.

Conditions:
Hereditary cancer-predisposing syndrome. Also called: Neoplastic Syndromes, Hereditary; Tumor predisposition; Hereditary Cancer Syndrome; Hereditary neoplastic syndrome. Identifiers: Orphanet 140162, MedGen C0027672, MeSH D009386, MONDO:0015356.
Familial cancer of breast. Also called: BREAST CANCER, FAMILIAL; hereditary breast carcinoma; Hereditary breast cancer. Identifiers: Orphanet 227535, MedGen C0346153, MONDO:0016419, OMIM 114480. Disease mechanism: loss of function.

Allele frequency attached by ClinVar (database versions not stated): TOPMed below 0.00001; ExAC 0.00001; gnomAD exomes 0.00001.

Submissions (5):

Labcorp Genetics (formerly Invitae), Labcorp
Classification: Likely benign for Familial cancer of breast. Last evaluated: 2026-02-04. Review status: criteria provided, single submitter. Criteria: Invitae Variant Classification Sherloc (09022015). Collection method: clinical testing. Allele origin: germline.

Quest Diagnostics Nichols Institute San Juan Capistrano
Classification: Likely benign. Last evaluated: 2025-02-07. Review status: criteria provided, single submitter. Criteria: Quest Diagnostics criteria. Collection method: clinical testing. Allele origin: unknown.

Myriad Genetics, Inc.
Classification: Benign for Familial cancer of breast. Last evaluated: 2024-07-23. Review status: criteria provided, single submitter. Criteria: Myriad Autosomal Dominant, Autosomal Recessive and X-Linked Classification Criteria (2023). Collection method: clinical testing. Allele origin: unknown.
Comment: This variant is considered benign. This variant is a silent/synonymous amino acid change and it is not expected to impact splicing.

Color Diagnostics, LLC DBA Color Health
Classification: Likely benign for Hereditary cancer-predisposing syndrome. Last evaluated: 2017-06-20. Review status: criteria provided, single submitter. Criteria: ACMG Guidelines, 2015. Collection method: clinical testing. Allele origin: germline.

Ambry Genetics
Classification: Likely benign for Hereditary cancer-predisposing syndrome. Last evaluated: 2015-06-04. Review status: criteria provided, single submitter. Criteria: Ambry Variant Classification Scheme 2023. Collection method: clinical testing. Allele origin: germline.

NM_000465.4(BARD1):c.864T>C (p.Ser288=)

Gene: BARD1 (BRCA1 associated RING domain 1; minus strand). Cytogenetic location: 2q35.
Variant type: single nucleotide variant.
Coding change: c.864T>C on transcript NM_000465.4 (MANE Select); coding-DNA position 864, T replaced by C.
Protein change: p.Ser288=; no amino-acid change (serine 288 retained).
Molecular consequence: synonymous variant. On other transcripts: non-coding transcript variant (2), intron variant (3).
Genome position (GRCh38, 1-based): chr2:214,781,010, A>G on the plus strand (T>C on the coding strand, the complement: BARD1 is on the minus strand). VCF-style: chr2-214781010-A-G. GRCh37 (hg19) VCF-style: chr2-215645734-A-G.
Other names: c.807T>C, p.Ser269= (NM_001282543.2); c.158+28402T>C (NM_001282548.2); c.215+16051T>C (NM_001282545.2); c.364+11287T>C (NM_001282549.2).
Identifiers: ClinVar variation 232185 (VCV000232185.24), dbSNP rs771982631, ClinGen allele CA2090371.